The following is an entry in ClinVar:

ClinVar aggregate classification (germline): Likely pathogenic (1 of 4 stars; one submission).

Conditions:
Gaucher disease. Also called: Acute cerebral Gaucher disease; Cerebroside lipidosis syndrome; Gaucher splenomegaly; Sphingolipidosis 1; Glucocerebrosidosis; Glucosylceramidase deficiency. Identifiers: Orphanet 355, MedGen C0017205, MONDO:0018150.

Submission:

Natera, Inc.
Classification: Likely pathogenic for Gaucher disease. Last evaluated: 2025-09-09. Review status: criteria provided, single submitter. Criteria: Natera Variant Classification Schema (03/2026). Collection method: clinical testing. Allele origin: germline.
Comment: The c.856del variant in GBA1 is a frameshift variant predicted to shift the reading frame beginning at codon 286 and leads to a stop codon 18 codons downstream. This variant is expected to result in nonsense mediated decay, truncation, or a dysfunctional protein product. This variant is rare in the general population with a frequency below the threshold expected for the associated phenotype(s). Given the available evidence, this variant is classified as Likely Pathogenic.

NM_000157.4(GBA1):c.856del (p.Gln286fs)

Genes: GBA1 (glucosylceramidase beta 1; minus strand), LOC106627981 (GBA recombination region; plus strand). Cytogenetic location: 1q22.
Variant type: Deletion.
Coding change: c.856del on transcript NM_000157.4 (MANE Select); coding-DNA position 856, one base deleted (C; older notation c.856delC).
Protein change: p.Gln286fs; shifts the reading frame from glutamine 286.
Molecular consequence: frameshift variant.
Genome position (GRCh38, 1-based): chr1:155,237,484, G deleted on the plus strand (C on the coding strand, the reverse complement: GBA1 is on the minus strand); the first of 2 consecutive G bases (chr1:155,237,484-155,237,485); deleting either gives the same sequence. VCF-style (leftmost placement, unchanged base first): chr1-155237483-TG-T. GRCh37 (hg19) VCF-style: chr1-155207274-TG-T.
Other names: c.856del, p.Gln286fs (NM_001005741.3, NM_001005742.3); c.595del, p.Gln199fs (NM_001171811.2); c.709del, p.Gln237fs (NM_001171812.2); short protein forms Q199fs, Q237fs, Q286fs.
Identifiers: ClinVar variation 4817818 (VCV004817818.1).
Genomic context (GRCh38, chr1:155,237,483, plus strand): 5'-GTAGGACCTAGGTCACGGGCAATGAAGTCTCGCTGATGTTCAGGGGTGAAGCCCAGGCAC[TG>T]GAAGGGGTATCCACTCAACAGCCCAGCAGAAGGCTCATTTTCAGCTGTCACTGCCCAGAA-3'